The following is an entry in ClinVar:

ClinVar aggregate classification (germline): Conflicting classifications of pathogenicity. Review status: criteria provided, conflicting classifications (1 of 4 stars). 5 submissions from 5 submitters: Likely pathogenic (3); Uncertain significance (1); VUS-mid (1). Last evaluated 2026-03-09.

Conditions:
Cholestasis-pigmentary retinopathy-cleft palate syndrome (HDKR). Also called: Hardikar Syndrome (HS). Identifiers: Orphanet 1415, MedGen C0795969, MeSH C535632, MONDO:0012997, OMIM 301068.
MED12-Related Disorders. Also called: MED12-related condition; MED12-related disorder. Identifiers: MedGen CN381102.
FG syndrome 1 (OKS). Also called: OPITZ-KAVEGGIA SYNDROME; KELLER SYNDROME; MENTAL RETARDATION, LARGE HEAD, IMPERFORATE ANUS, CONGENITAL HYPOTONIA, AND PARTIAL AGENESIS OF CORPUS CALLOSUM; FG Syndrome Type 1 (FGS1). Identifiers: Orphanet 93932, MedGen C5399762, MONDO:0010590, OMIM 305450.

Submissions (5):

Centro de Investigaciones en Bioquimica Clinica e Inmunologia, Consejo Nacional de Investigaciones Científicas y Técnicas
Classification: VUS-mid for FG syndrome 1. Last evaluated: 2026-03-09. Review status: criteria provided, single submitter. Criteria: ACMG Guidelines, 2015. Collection method: research. Allele origin: germline. Inheritance: X-linked recessive inheritance. Affected: yes. Observed: 1 variant allele.
Comment: The variant is absent from the gnomAD population database (PM2_Supporting). The variant results in a novel missense change at an amino acid residue where a different pathogenic missense variant has previously been reported (PM5). However, the currently available evidence is insufficient to support a pathogenic or benign classification. Therefore, this variant is classified as a Variant of Uncertain Significance (VUS).

Institute of Human Genetics, University of Leipzig Medical Center
Classification: Likely pathogenic for Cholestasis-pigmentary retinopathy-cleft palate syndrome. Last evaluated: 2025-08-26. Review status: criteria provided, single submitter. Criteria: ACMG Guidelines, 2015. Collection method: clinical testing. Allele origin: maternal. Inheritance: X-linked dominant inheritance. Affected: yes.
Comment: Criteria applied: PM2,PM5,PM1_SUP,PP2

CeGaT Center for Human Genetics Tuebingen
Classification: Likely pathogenic. Last evaluated: 2025-08-01. Review status: criteria provided, single submitter. Criteria: CeGaT Center For Human Genetics Tuebingen Variant Classification Criteria Version 2. Collection method: clinical testing. Allele origin: germline. Affected: yes. Observed: 1 variant allele.
Comment: MED12: PM2, PM5, PS2:Moderate

Blueprint Genetics
Classification: Likely pathogenic for MED12-related disorders. Last evaluated: 2024-06-10. Review status: criteria provided, single submitter. Criteria: ACMG Guidelines, 2015. Collection method: clinical testing. Allele origin: germline. Affected: yes. Observed: 1 variant allele.

3billion
Classification: Uncertain significance for FG syndrome 1. Last evaluated: 2023-02-23. Review status: criteria provided, single submitter. Criteria: ACMG Guidelines, 2015. Collection method: clinical testing. Allele origin: unknown. Affected: yes.
Comment: The variant is not observed in the gnomAD v2.1.1 dataset. Missense changes are a common disease-causing mechanism. A different missense change at the same codon (p.Arg296Gln) has been reported as pathogenic/likely pathogenic with strong evidence (ClinVar ID: VCV000522111). Therefore, this variant is classified as VUS according to the recommendation of ACMG/AMP guideline.

NM_005120.3(MED12):c.886C>T (p.Arg296Trp)

Gene: MED12 (mediator complex subunit 12; plus strand). Cytogenetic location: Xq13.1.
Variant type: single nucleotide variant.
Coding change: c.886C>T on transcript NM_005120.3 (MANE Select); coding-DNA position 886, C replaced by T.
Protein change: p.Arg296Trp; replaces arginine 296 with tryptophan.
Molecular consequence: missense variant.
Genome position (GRCh38, 1-based): chrX:71,121,601, C>T. VCF-style: chrX-71121601-C-T. GRCh37 (hg19) VCF-style: chrX-70341451-C-T.
Other names: short protein forms R296W.
Identifiers: ClinVar variation 2444269 (VCV002444269.12), dbSNP rs2147779510, ClinGen allele CA413504436.